The following is an entry in ClinVar:

ClinVar aggregate classification (germline): Uncertain significance (1 of 4 stars; one submission).

Allele frequency attached by ClinVar (database versions not stated): TOPMed 0.00005; 1000 Genomes Project 30x 0.00016; 1000 Genomes Project 0.00020.
gnomAD v4.1: 37 of 1,614,106 alleles (0.0023%); highest among the groups gnomAD compares: Admixed American, 0.017%; no homozygotes.

Submission:

Labcorp Genetics (formerly Invitae), Labcorp
Classification: Uncertain significance. Last evaluated: 2025-07-21. Review status: criteria provided, single submitter. Criteria: Invitae Variant Classification Sherloc (09022015). Collection method: clinical testing. Allele origin: germline.
Comment: This sequence change replaces arginine, which is basic and polar, with glutamine, which is neutral and polar, at codon 483 of the CYP7A1 protein (p.Arg483Gln). This variant is present in population databases (rs201171633, gnomAD 0.02%). This variant has not been reported in the literature in individuals affected with CYP7A1-related conditions. ClinVar contains an entry for this variant (Variation ID: 2062960). An algorithm developed to predict the effect of missense changes on protein structure and function (PolyPhen-2) suggests that this variant is likely to be disruptive. In summary, the available evidence is currently insufficient to determine the role of this variant in disease. Therefore, it has been classified as a Variant of Uncertain Significance.

NM_000780.4(CYP7A1):c.1448G>A (p.Arg483Gln)

Gene: CYP7A1 (cytochrome P450 family 7 subfamily A member 1; minus strand). Cytogenetic location: 8q12.1.
Variant type: single nucleotide variant.
Coding change: c.1448G>A on transcript NM_000780.4 (MANE Select); coding-DNA position 1448, G replaced by A.
Protein change: p.Arg483Gln; replaces arginine 483 with glutamine.
Molecular consequence: missense variant.
Genome position (GRCh38, 1-based): chr8:58,491,542, C>T on the plus strand (G>A on the coding strand, the complement: CYP7A1 is on the minus strand). VCF-style: chr8-58491542-C-T. GRCh37 (hg19) VCF-style: chr8-59404101-C-T.
Other names: short protein forms R483Q.
Identifiers: ClinVar variation 2062960 (VCV002062960.4), dbSNP rs201171633, ClinGen allele CA4756539.
Genomic context (GRCh38, chr8:58,491,542, plus strand): 5'-TGCTTGAATTTATATTTAAATTCAATATCATTCAATGGCGGCAAAATGCCCAAGCCTGCC[C>T]GGGACTGGTCCAAAGGTGGACATTTAGCTTGGCCCTCTATAAGCTCCAATTCAAAATAAG-3'
Protein context (NP_000771.2, residues 473-493): QAKCPPLDQS[Arg483Gln]AGLGILPPLN